The following is an entry in ClinVar:

NM_004360.5(CDH1):c.2361T>C (p.Val787=)

Gene: CDH1 (cadherin 1; plus strand). Cytogenetic location: 16q22.1.
Variant type: single nucleotide variant.
Coding change: c.2361T>C on transcript NM_004360.5 (MANE Select); coding-DNA position 2361, T replaced by C.
Protein change: p.Val787=; no amino-acid change (valine 787 retained).
Molecular consequence: synonymous variant.
Genome position (GRCh38, 1-based): chr16:68,829,719, T>C. VCF-style: chr16-68829719-T-C. GRCh37 (hg19) VCF-style: chr16-68863622-T-C.
Other names: c.2361T>C (LRG_301t1); c.2178T>C, p.Val726= (NM_001317184.2); c.813T>C, p.Val271= (NM_001317185.2); c.396T>C, p.Val132= (NM_001317186.2).
Identifiers: ClinVar variation 491529 (VCV000491529.18), dbSNP rs1555517864, ClinGen allele CA496157431.

ClinVar aggregate classification (germline): Benign/Likely benign. Review status: criteria provided, multiple submitters, no conflicts (2 of 4 stars). 5 submissions from 5 submitters: Benign (1); Likely benign (4). Last evaluated 2025-09-24.

Conditions:
Hereditary cancer-predisposing syndrome. Also called: Tumor predisposition; Neoplastic Syndromes, Hereditary; Hereditary Cancer Syndrome; Hereditary neoplastic syndrome. Identifiers: Orphanet 140162, MedGen C0027672, MeSH D009386, MONDO:0015356.
Hereditary diffuse gastric adenocarcinoma (HDGC). Also called: DIFFUSE GASTRIC AND LOBULAR BREAST CANCER SYNDROME. Identifiers: Orphanet 26106, MedGen C1708349, MONDO:0007648, OMIM 137215.

Allele frequency attached by ClinVar (database versions not stated): TOPMed below 0.00001; gnomAD 0.00001.
gnomAD v4.1: 2 of 1,614,146 alleles (0.00012%); highest among the groups gnomAD compares: African/African-American, 0.0027%; no homozygotes.

Submissions (5):

Labcorp Genetics (formerly Invitae), Labcorp
Classification: Likely benign for Hereditary diffuse gastric adenocarcinoma. Last evaluated: 2025-09-24. Review status: criteria provided, single submitter. Criteria: Invitae Variant Classification Sherloc (09022015). Collection method: clinical testing. Allele origin: germline.

Myriad Genetics, Inc.
Classification: Benign for Hereditary diffuse gastric adenocarcinoma. Last evaluated: 2024-09-23. Review status: criteria provided, single submitter. Criteria: Myriad Autosomal Dominant, Autosomal Recessive and X-Linked Classification Criteria (2023). Collection method: clinical testing. Allele origin: unknown.
Comment: This variant is considered benign. This variant is a silent/synonymous amino acid change and it is not expected to impact splicing.

Ambry Genetics
Classification: Likely benign for Hereditary cancer-predisposing syndrome. Last evaluated: 2019-09-02. Review status: criteria provided, single submitter. Criteria: Ambry Variant Classification Scheme 2023. Collection method: clinical testing. Allele origin: germline.

Women's Health and Genetics/Laboratory Corporation of America, LabCorp
Classification: Likely benign. Last evaluated: 2019-08-28. Review status: criteria provided, single submitter. Criteria: LabCorp Variant Classification Summary - May 2015. Collection method: clinical testing. Allele origin: germline.

Color Diagnostics, LLC DBA Color Health
Classification: Likely benign for Hereditary cancer-predisposing syndrome. Last evaluated: 2017-04-24. Review status: criteria provided, single submitter. Criteria: ACMG Guidelines, 2015. Collection method: clinical testing. Allele origin: germline.